The following is an entry in ClinVar:

ClinVar aggregate classification (germline): Uncertain significance (1 of 4 stars; one submission).

gnomAD v4.1: 1 of 1,606,168 alleles (0.000062%); highest among the groups gnomAD compares: Non-Finnish European, 0.000085%; no homozygotes.

Submission:

GeneDx
Classification: Uncertain significance. Last evaluated: 2023-01-31. Review status: criteria provided, single submitter. Criteria: GeneDx Variant Classification Process June 2021. Collection method: clinical testing. Allele origin: germline. Affected: yes.
Comment: Not observed at significant frequency in large population cohorts (gnomAD); In silico analysis supports that this missense variant does not alter protein structure/function; Has not been previously published as pathogenic or benign to our knowledge

NM_006158.5(NEFL):c.137C>G (p.Pro46Arg)

Gene: NEFL (neurofilament light chain; minus strand). Cytogenetic location: 8p21.2.
Variant type: single nucleotide variant.
Coding change: c.137C>G on transcript NM_006158.5 (MANE Select); coding-DNA position 137, C replaced by G.
Protein change: p.Pro46Arg; replaces proline 46 with arginine.
Molecular consequence: missense variant.
Genome position (GRCh38, 1-based): chr8:24,956,379, G>C on the plus strand (C>G on the coding strand, the complement: NEFL is on the minus strand). VCF-style: chr8-24956379-G-C. GRCh37 (hg19) VCF-style: chr8-24813893-G-C.
Other names: short protein forms P46R.
Identifiers: ClinVar variation 2574200 (VCV002574200.1), dbSNP rs2486888346, ClinGen allele CA370623910.
Genomic context (GRCh38, chr8:24,956,379, plus strand): 5'-GGCATCAACGATCCAGAGCTGGAGGAGTAGCTGCGGCGCACGGACAGCGAGGAAGACACC[G>C]GCGCCGAGTAGCTGGAGTAAGCTGAGCGTGCGGTGCTGTAGCCGCTGCGCACGCTGGAGA-3'
Protein context (NP_006149.2, residues 36-56): ARSAYSSYSA[Pro46Arg]VSSSLSVRRS